The following is an entry in ClinVar:

NM_001379270.1(CNGA1):c.1044C>A (p.Ser348Arg)

Genes: CNGA1 (cyclic nucleotide gated channel subunit alpha 1; minus strand), LOC101927157 (uncharacterized LOC101927157; plus strand). Cytogenetic location: 4p12.
Variant type: single nucleotide variant.
Coding change: c.1044C>A on transcript NM_001379270.1 (MANE Select); coding-DNA position 1044, C replaced by A.
Protein change: p.Ser348Arg; replaces serine 348 with arginine.
Molecular consequence: missense variant.
Genome position (GRCh38, 1-based): chr4:47,937,438, G>T on the plus strand (C>A on the coding strand, the complement: CNGA1 is on the minus strand). VCF-style: chr4-47937438-G-T. GRCh37 (hg19) VCF-style: chr4-47939455-G-T.
Other names: c.1044C>A, p.Ser348Arg (NM_000087.5, NM_001142564.2); short protein forms S421R, S348R.
Identifiers: ClinVar variation 812274 (VCV000812274.11), dbSNP rs759079269, ClinGen allele CA356827357.

ClinVar aggregate classification (germline): Pathogenic/Likely pathogenic. Review status: criteria provided, multiple submitters, no conflicts (2 of 4 stars). 4 submissions from 4 submitters: Pathogenic (1); Likely pathogenic (2). 1 of the submissions does not count toward it. Last evaluated 2025-04-09.

Conditions:
Retinitis pigmentosa 49 (RP49). Identifiers: Orphanet 791, MedGen C3151059, MONDO:0013405, OMIM 613756.
Retinitis pigmentosa (RP). Identifiers: Orphanet 791, MedGen C0035334, MeSH D012174, MONDO:0019200, OMIM 268000. Inheritance: Autosomal dominant, autosomal recessive and X linked inheritance.

Allele frequency attached by ClinVar (database versions not stated): gnomAD 0.00003.
gnomAD v4.1: 4 of 1,613,954 alleles (0.00025%); highest among the groups gnomAD compares: East Asian, 0.0022%; no homozygotes.

Submissions (4):

First Genomix Gene Laboratory, Genetic Diagnostics Department
Classification: Likely pathogenic for Retinitis pigmentosa 49. Last evaluated: 2025-04-09. Review status: criteria provided, single submitter. Criteria: ACMG Guidelines, 2015. Collection method: clinical testing. Allele origin: germline. Inheritance: Autosomal recessive inheritance. Affected: no. Observed: 1 variant allele.

Labcorp Genetics (formerly Invitae), Labcorp
Classification: Likely pathogenic. Last evaluated: 2023-08-14. Review status: criteria provided, single submitter. Criteria: Invitae Variant Classification Sherloc (09022015). Collection method: clinical testing. Allele origin: germline.
Comment: This variant is present in population databases (no rsID available, gnomAD 0.1%). This missense change has been observed in individual(s) with retinitis pigmentosa (PMID: 31456290, 32531858; Invitae). In at least one individual the data is consistent with being in trans (on the opposite chromosome) from a pathogenic variant. This variant is also known as c.1263C>A p.(Ser421Arg). ClinVar contains an entry for this variant (Variation ID: 812274). An algorithm developed to predict the effect of missense changes on protein structure and function (PolyPhen-2) suggests that this variant is likely to be disruptive. In summary, the currently available evidence indicates that the variant is pathogenic, but additional data are needed to prove that conclusively. Therefore, this variant has been classified as Likely Pathogenic. This sequence change replaces serine, which is neutral and polar, with arginine, which is basic and polar, at codon 352 of the CNGA1 protein (p.Ser352Arg).

Molecular Genetics Laboratory, Institute for Ophthalmic Research
Classification: Pathogenic for Retinitis pigmentosa. Last evaluated: 2020-01-09. Review status: criteria provided, single submitter. Criteria: ACMG Guidelines, 2015. Collection method: research. Allele origin: germline. Affected: yes.

Sharon lab, Hadassah-Hebrew University Medical Center
Classification: Likely pathogenic for Retinitis pigmentosa. Last evaluated: 2019-06-23. Review status: no assertion criteria provided. Collection method: research. Allele origin: inherited. Affected: yes. Not counted in ClinVar's aggregate classification.

Literature cited by the submitters: PubMed 31456290 (cited by Labcorp Genetics (formerly Invitae), Labcorp); PubMed 32531858 (cited by Labcorp Genetics (formerly Invitae), Labcorp).